The following is an entry in ClinVar:

ClinVar aggregate classification (germline): Likely benign. Review status: criteria provided, multiple submitters, no conflicts (2 of 4 stars). 3 submissions from 3 submitters: Likely benign (3). Last evaluated 2024-02-29.

Allele frequency attached by ClinVar (database versions not stated): gnomAD exomes 0.00001; ExAC 0.00002; TOPMed 0.00002; gnomAD 0.00003.
gnomAD v4.1: 21 of 1,614,036 alleles (0.0013%); highest among the groups gnomAD compares: Admixed American, 0.005%; no homozygotes.

Submissions (3):

Blueprint Genetics
Classification: Likely benign. Last evaluated: 2024-02-29. Review status: criteria provided, single submitter. Criteria: ACMG Guidelines, 2015. Collection method: clinical testing. Allele origin: germline.

Labcorp Genetics (formerly Invitae), Labcorp
Classification: Likely benign. Last evaluated: 2023-12-19. Review status: criteria provided, single submitter. Criteria: Invitae Variant Classification Sherloc (09022015). Collection method: clinical testing. Allele origin: germline.

CeGaT Center for Human Genetics Tuebingen
Classification: Likely benign. Last evaluated: 2023-09-01. Review status: criteria provided, single submitter. Criteria: CeGaT Center For Human Genetics Tuebingen Variant Classification Criteria Version 2. Collection method: clinical testing. Allele origin: germline. Affected: yes. Observed: 1 variant allele.
Comment: RNASEH1: BP4, BP7

NM_002936.6(RNASEH1):c.468G>A (p.Pro156=)

Gene: RNASEH1 (ribonuclease H1; minus strand). Cytogenetic location: 2p25.3.
Variant type: single nucleotide variant.
Coding change: c.468G>A on transcript NM_002936.6 (MANE Select); coding-DNA position 468, G replaced by A.
Protein change: p.Pro156=; no amino-acid change (proline 156 retained).
Molecular consequence: synonymous variant. On other transcripts: non-coding transcript variant (7).
Genome position (GRCh38, 1-based): chr2:3,550,414, C>T on the plus strand (G>A on the coding strand, the complement: RNASEH1 is on the minus strand). VCF-style: chr2-3550414-C-T. GRCh37 (hg19) VCF-style: chr2-3598004-C-T.
Other names: c.390G>A, p.Pro130= (NM_001286834.3); c.117G>A, p.Pro39= (NM_001286837.3); c.468G>A, p.Pro156= (NM_001378271.1, NM_001378273.1); c.465G>A, p.Pro155= (NM_001378272.1).
Identifiers: ClinVar variation 2418128 (VCV002418128.33), dbSNP rs775664200, ClinGen allele CA1516257.
Genomic context (GRCh38, chr2:3,550,414, plus strand): 5'-TCAGCTTCGTTTAACTTACAAAGGATGGCCTGGCCCCCAGTAAACGCCGATTCCTGCTCG[C>T]GGCCTTCTACGCCCATTACTGGAGCAGCAGCCATCAGTGTAGACGACGACGAAGTCTCCT-3'
Protein context (NP_002927.2, residues 146-166): GCCSSNGRRR[Pro156=]RAGIGVYWGP